The following is an entry in ClinVar:

ClinVar aggregate classification (germline): Uncertain significance (1 of 4 stars; one submission).

Conditions:
Primary dilated cardiomyopathy (DCM). Also called: Dilated Cardiomyopathy. Identifiers: Orphanet 217604, MedGen C0007193, MeSH D002311, MONDO:0005021, HP:0001644. Inheritance: Various modes of inheritance.

Submission:

Labcorp Genetics (formerly Invitae), Labcorp
Classification: Uncertain significance for Primary dilated cardiomyopathy. Last evaluated: 2024-11-11. Review status: criteria provided, single submitter. Criteria: Invitae Variant Classification Sherloc (09022015). Collection method: clinical testing. Allele origin: germline.
Comment: This sequence change replaces asparagine, which is neutral and polar, with isoleucine, which is neutral and non-polar, at codon 112 of the TXNRD2 protein (p.Asn112Ile). This variant is not present in population databases (gnomAD no frequency). This variant has not been reported in the literature in individuals affected with TXNRD2-related conditions. ClinVar contains an entry for this variant (Variation ID: 1489703). Invitae Evidence Modeling of protein sequence and biophysical properties (such as structural, functional, and spatial information, amino acid conservation, physicochemical variation, residue mobility, and thermodynamic stability) indicates that this missense variant is not expected to disrupt TXNRD2 protein function with a negative predictive value of 80%. In summary, the available evidence is currently insufficient to determine the role of this variant in disease. Therefore, it has been classified as a Variant of Uncertain Significance.

NM_006440.5(TXNRD2):c.335A>T (p.Asn112Ile)

Gene: TXNRD2 (thioredoxin reductase 2; minus strand). Cytogenetic location: 22q11.21.
Variant type: single nucleotide variant.
Coding change: c.335A>T on transcript NM_006440.5 (MANE Select); coding-DNA position 335, A replaced by T.
Protein change: p.Asn112Ile; replaces asparagine 112 with isoleucine.
Molecular consequence: missense variant. On other transcripts: non-coding transcript variant (1).
Genome position (GRCh38, 1-based): chr22:19,918,899, T>A on the plus strand (A>T on the coding strand, the complement: TXNRD2 is on the minus strand). VCF-style: chr22-19918899-T-A. GRCh37 (hg19) VCF-style: chr22-19906422-T-A.
Other names: c.335A>T, p.Asn112Ile (NM_001282512.3); c.332A>T, p.Asn111Ile (NM_001352300.2); c.245A>T, p.Asn82Ile (NM_001352301.2); c.47A>T, p.Asn16Ile (NM_001352302.2); c.239A>T, p.Asn80Ile (NM_001352303.2); short protein forms N111I, N16I, N112I, N80I, N82I.
Identifiers: ClinVar variation 1489703 (VCV001489703.8), dbSNP rs758941896, ClinGen allele CA410693750.